The following is an entry in ClinVar:

NM_001242896.3(DEPDC5):c.1443C>T (p.Cys481=)

Gene: DEPDC5 (DEP domain containing 5, GATOR1 subcomplex subunit; plus strand). Cytogenetic location: 22q12.3.
Variant type: single nucleotide variant.
Coding change: c.1443C>T on transcript NM_001242896.3 (MANE Select); coding-DNA position 1443, C replaced by T.
Protein change: p.Cys481=; no amino-acid change (cysteine 481 retained).
Molecular consequence: synonymous variant. On other transcripts: non-coding transcript variant (5).
Genome position (GRCh38, 1-based): chr22:31,810,639, C>T. VCF-style: chr22-31810639-C-T. GRCh37 (hg19) VCF-style: chr22-32206625-C-T.
Other names: c.1443C>T, p.Cys481= (NM_001007188.4, NM_001136029.4, NM_001242897.2 and 7 more transcripts); c.1359C>T, p.Cys453= (NM_001369901.1, NM_001369902.1).
Identifiers: ClinVar variation 2750954 (VCV002750954.3), dbSNP rs2519104132, ClinGen allele CA514261982.

ClinVar aggregate classification (germline): Uncertain significance (1 of 4 stars; one submission).

Conditions:
Familial focal epilepsy with variable foci (FPEVF). Identifiers: Orphanet 98820, MedGen C1858477, MONDO:0020310.

Allele frequency attached by ClinVar (database versions not stated): gnomAD exomes below 0.00001.
gnomAD v4.1: 1 of 1,614,138 alleles (0.000062%); highest among the groups gnomAD compares: Non-Finnish European, 0.000085%; no homozygotes.

Submission:

Labcorp Genetics (formerly Invitae), Labcorp
Classification: Uncertain significance for Familial focal epilepsy with variable foci. Last evaluated: 2023-12-26. Review status: criteria provided, single submitter. Criteria: Invitae Variant Classification Sherloc (09022015). Collection method: clinical testing. Allele origin: germline.
Comment: This sequence change affects codon 481 of the DEPDC5 mRNA. It is a 'silent' change, meaning that it does not change the encoded amino acid sequence of the DEPDC5 protein. This variant is not present in population databases (gnomAD no frequency). This variant has not been reported in the literature in individuals affected with DEPDC5-related conditions. Algorithms developed to predict the effect of sequence changes on RNA splicing suggest that this variant may disrupt the consensus splice site. In summary, the available evidence is currently insufficient to determine the role of this variant in disease. Therefore, it has been classified as a Variant of Uncertain Significance.